The following is an entry in ClinVar:

NM_014270.5(SLC7A9):c.398C>G (p.Ser133Cys)

Gene: SLC7A9 (solute carrier family 7 member 9; minus strand). Cytogenetic location: 19q13.11.
Variant type: single nucleotide variant.
Coding change: c.398C>G on transcript NM_014270.5 (MANE Select); coding-DNA position 398, C replaced by G.
Protein change: p.Ser133Cys; replaces serine 133 with cysteine.
Molecular consequence: missense variant.
Genome position (GRCh38, 1-based): chr19:32,864,176, G>C on the plus strand (C>G on the coding strand, the complement: SLC7A9 is on the minus strand). VCF-style: chr19-32864176-G-C. GRCh37 (hg19) VCF-style: chr19-33355082-G-C.
Other names: c.398C>G, p.Ser133Cys (NM_001126335.2, NM_001243036.2); short protein forms S133C.
Identifiers: ClinVar variation 2700444 (VCV002700444.3), dbSNP rs2513608268, ClinGen allele CA405203485.
Genomic context (GRCh38, chr19:32,864,176, plus strand): 5'-CATTTCACAACGATTTGAGGAGGCTTGCAGCCCACATAGAAGGGCGCACACACATACTCG[G>C]AGAAGCTGAGGCAGATGATGGCGAAGGACGTGGGCTTAATGACGATCAGGCTGGCCCAGG-3'
Protein context (NP_055085.1, residues 123-143): TSFAIICLSF[Ser133Cys]EYVCAPFYVG

ClinVar aggregate classification (germline): Uncertain significance (1 of 4 stars; one submission).

Submission:

Labcorp Genetics (formerly Invitae), Labcorp
Classification: Uncertain significance. Last evaluated: 2023-12-02. Review status: criteria provided, single submitter. Criteria: Invitae Variant Classification Sherloc (09022015). Collection method: clinical testing. Allele origin: germline.
Comment: This sequence change replaces serine, which is neutral and polar, with cysteine, which is neutral and slightly polar, at codon 133 of the SLC7A9 protein (p.Ser133Cys). This variant is not present in population databases (gnomAD no frequency). This variant has not been reported in the literature in individuals affected with SLC7A9-related conditions. Advanced modeling of protein sequence and biophysical properties (such as structural, functional, and spatial information, amino acid conservation, physicochemical variation, residue mobility, and thermodynamic stability) performed at Invitae indicates that this missense variant is not expected to disrupt SLC7A9 protein function with a negative predictive value of 80%. In summary, the available evidence is currently insufficient to determine the role of this variant in disease. Therefore, it has been classified as a Variant of Uncertain Significance.